The following is an entry in ClinVar:

NM_003072.5(SMARCA4):c.222+3A>G

Gene: SMARCA4 (SWI/SNF related BAF chromatin remodeling complex subunit ATPase 4; plus strand). Cytogenetic location: 19p13.2.
Variant type: single nucleotide variant.
Coding change: c.222+3A>G on transcript NM_003072.5 (MANE Select); 3 bases into the intron after coding-DNA position 222, A replaced by G.
Molecular consequence: intron variant.
Genome position (GRCh38, 1-based): chr19:10,984,376, A>G. VCF-style: chr19-10984376-A-G. GRCh37 (hg19) VCF-style: chr19-11095052-A-G.
Other names: c.222+3A>G (NM_001128844.3, NM_001128849.3, NM_001128847.4 and 6 more transcripts).
Identifiers: ClinVar variation 1359364 (VCV001359364.6), dbSNP rs2145727267, ClinGen allele CA2573155574.

ClinVar aggregate classification (germline): Uncertain significance. Review status: criteria provided, multiple submitters, no conflicts (2 of 4 stars). 2 submissions from 2 submitters: Uncertain significance (2). Last evaluated 2025-08-05.

Conditions:
Hereditary cancer-predisposing syndrome. Also called: Tumor predisposition; Hereditary neoplastic syndrome; Neoplastic Syndromes, Hereditary; Hereditary Cancer Syndrome. Identifiers: Orphanet 140162, MedGen C0027672, MeSH D009386, MONDO:0015356.
Rhabdoid tumor predisposition syndrome 2 (RTPS2). Identifiers: Orphanet 231108, Orphanet 69077, MedGen C2750074, MONDO:0013224, OMIM 613325.

Allele frequency attached by ClinVar (database versions not stated): gnomAD exomes below 0.00001.
gnomAD v4.1: 5 of 1,577,388 alleles (0.00032%); highest among the groups gnomAD compares: Non-Finnish European, 0.00043%; no homozygotes.

Submissions (2):

Ambry Genetics
Classification: Uncertain significance for Hereditary cancer-predisposing syndrome. Last evaluated: 2025-08-05. Review status: criteria provided, single submitter. Criteria: Ambry Variant Classification Scheme 2023. Collection method: clinical testing. Allele origin: germline.
Comment: The c.222+3A>G intronic variant results from an A to G substitution 3 nucleotides after coding exon 1 in the SMARCA4 gene. This nucleotide position is well conserved in available vertebrate species. In silico splice site analysis for this alteration is inconclusive. Based on the available evidence, the clinical significance of this variant remains unclear.

Labcorp Genetics (formerly Invitae), Labcorp
Classification: Uncertain significance for Rhabdoid tumor predisposition syndrome 2. Last evaluated: 2024-02-14. Review status: criteria provided, single submitter. Criteria: Invitae Variant Classification Sherloc (09022015). Collection method: clinical testing. Allele origin: germline.
Comment: This sequence change falls in intron 2 of the SMARCA4 gene. It does not directly change the encoded amino acid sequence of the SMARCA4 protein. It affects a nucleotide within the consensus splice site. This variant is not present in population databases (gnomAD no frequency). This variant has not been reported in the literature in individuals affected with SMARCA4-related conditions. ClinVar contains an entry for this variant (Variation ID: 1359364). Variants that disrupt the consensus splice site are a relatively common cause of aberrant splicing (PMID: 17576681, 9536098). RNA analysis performed to evaluate the impact of this variant on mRNA splicing indicates it does not significantly alter splicing (Invitae). In summary, the available evidence is currently insufficient to determine the role of this variant in disease. Therefore, it has been classified as a Variant of Uncertain Significance.

Literature cited by the submitters: PubMed 17576681 (cited by Labcorp Genetics (formerly Invitae), Labcorp); PubMed 9536098 (cited by Labcorp Genetics (formerly Invitae), Labcorp).